The following is an entry in ClinVar:

ClinVar aggregate classification (germline): Uncertain significance (1 of 4 stars; one submission).

Allele frequency attached by ClinVar (database versions not stated): gnomAD exomes below 0.00001.

Submission:

Ambry Genetics
Classification: Uncertain significance. Last evaluated: 2022-11-04. Review status: criteria provided, single submitter. Criteria: Ambry Variant Classification Scheme 2023. Collection method: clinical testing. Allele origin: germline.
Comment: The p.G216A variant (also known as c.647G>C), located in coding exon 1 of the EGLN2 gene, results from a G to C substitution at nucleotide position 647. The glycine at codon 216 is replaced by alanine, an amino acid with similar properties. This amino acid position is conserved. In addition, this alteration is predicted to be tolerated by in silico analysis. Since supporting evidence is limited at this time, the clinical significance of this alteration remains unclear.

NM_080732.4(EGLN2):c.647G>C (p.Gly216Ala)

Genes: EGLN2 (egl-9 family hypoxia inducible factor 2; plus strand), RAB4B-EGLN2 (RAB4B-EGLN2 readthrough (NMD candidate); plus strand). Cytogenetic location: 19q13.2.
Variant type: single nucleotide variant.
Coding change: c.647G>C on transcript NM_080732.4 (MANE Select); coding-DNA position 647, G replaced by C.
Protein change: p.Gly216Ala; replaces glycine 216 with alanine.
Molecular consequence: missense variant. On other transcripts: non-coding transcript variant (1).
Genome position (GRCh38, 1-based): chr19:40,801,219, G>C. VCF-style: chr19-40801219-G-C. GRCh37 (hg19) VCF-style: chr19-41307124-G-C.
Other names: c.647G>C, p.Gly216Ala (NM_053046.4); short protein forms G216A.
Identifiers: ClinVar variation 2449348 (VCV002449348.2), dbSNP rs2083254989, ClinGen allele CA405955696.